The following is an entry in ClinVar:

ClinVar aggregate classification (germline): Likely benign (1 of 4 stars; one submission).

Allele frequency attached by ClinVar (database versions not stated): gnomAD 0.00001 and 0.00002; TOPMed 0.00001; ExAC 0.00002; gnomAD exomes 0.00002 and 0.00004; 1000 Genomes Project 0.00020; 1000 Genomes Project 30x 0.00031.

Submission:

GeneDx
Classification: Likely benign. Last evaluated: 2018-05-25. Review status: criteria provided, single submitter. Criteria: GeneDx Variant Classification (06012015). Collection method: clinical testing. Allele origin: germline. Affected: yes.
Comment: This variant is considered likely benign or benign based on one or more of the following criteria: it is a conservative change, it occurs at a poorly conserved position in the protein, it is predicted to be benign by multiple in silico algorithms, and/or has population frequency not consistent with disease.

NM_004320.6(ATP2A1):c.1296T>C (p.Gly432=)

Gene: ATP2A1 (ATPase sarcoplasmic/endoplasmic reticulum Ca2+ transporting 1; plus strand). Cytogenetic location: 16p11.2.
Variant type: single nucleotide variant.
Coding change: c.1296T>C on transcript NM_004320.6 (MANE Select); coding-DNA position 1296, T replaced by C.
Protein change: p.Gly432=; no amino-acid change (glycine 432 retained).
Molecular consequence: synonymous variant.
Genome position (GRCh38, 1-based): chr16:28,894,830, T>C. VCF-style: chr16-28894830-T-C. GRCh37 (hg19) VCF-style: chr16-28906151-T-C.
Other names: c.921T>C, p.Gly307= (NM_001286075.2); c.1296T>C, p.Gly432= (NM_173201.5).
Identifiers: ClinVar variation 668678 (VCV000668678.1), dbSNP rs563999583, ClinGen allele CA7986923.
Genomic context (GRCh38, chr16:28,894,830, plus strand): 5'-ACAGGTAGGAGCCTGGGGCACCGACTTCCTCTTCCTCCTCTGCCCATCTCAGGCCAAAGG[T>C]GTCTATGAGAAGGTCGGCGAGGCCACCGAGACAGCACTCACCACCCTGGTGGAGAAGATG-3'
Protein context (NP_004311.1, residues 422-442): DSSLDFNEAK[Gly432=]VYEKVGEATE